The following is an entry in ClinVar:

ClinVar aggregate classification (germline): Uncertain significance (1 of 4 stars; one submission).

Submission:

Ambry Genetics
Classification: Uncertain significance. Last evaluated: 2024-05-31. Review status: criteria provided, single submitter. Criteria: Ambry Variant Classification Scheme 2023. Collection method: clinical testing. Allele origin: germline.
Comment: The p.E604A variant (also known as c.1811A>C), located in coding exon 13 of the NPAT gene, results from an A to C substitution at nucleotide position 1811. The glutamic acid at codon 604 is replaced by alanine, an amino acid with dissimilar properties. This amino acid position is conserved. In addition, this alteration is predicted to be tolerated by in silico analysis. Since supporting evidence is limited at this time, the clinical significance of this alteration remains unclear.

NM_002519.3(NPAT):c.1811A>C (p.Glu604Ala)

Gene: NPAT (nuclear protein, coactivator of histone transcription; minus strand). Cytogenetic location: 11q22.3.
Variant type: single nucleotide variant.
Coding change: c.1811A>C on transcript NM_002519.3 (MANE Select); coding-DNA position 1811, A replaced by C.
Protein change: p.Glu604Ala; replaces glutamic acid 604 with alanine.
Molecular consequence: missense variant.
Genome position (GRCh38, 1-based): chr11:108,173,173, T>G on the plus strand (A>C on the coding strand, the complement: NPAT is on the minus strand). VCF-style: chr11-108173173-T-G. GRCh37 (hg19) VCF-style: chr11-108043900-T-G.
Other names: c.1811A>C, p.Glu604Ala (NM_001321307.1); short protein forms E604A.
Identifiers: ClinVar variation 1780586 (VCV001780586.3), dbSNP rs2496719844, ClinGen allele CA382514300.
Genomic context (GRCh38, chr11:108,173,173, plus strand): 5'-TGAATTTCTACTTGTCCAGATACATTTAAATGTGAACTTTCAACAGACACAGGTAGTATT[T>G]CACTTTGAAGACAAGAATTATCTTGGCAATTTGATAGCTGTGACATAACTGGTTCTAACA-3'
Protein context (NP_002510.2, residues 594-614): NCQDNSCLQS[Glu604Ala]ILPVSVESSH